The following is an entry in ClinVar:

ClinVar aggregate classification (germline): Benign/Likely benign. Review status: criteria provided, multiple submitters, no conflicts (2 of 4 stars). 5 submissions from 5 submitters: Benign (1); Likely benign (4). Last evaluated 2024-12-17.

Conditions:
Hereditary nonpolyposis colorectal neoplasms. Identifiers: MedGen C0009405, MeSH D003123.
Lynch syndrome 5 (LYNCH5). Also called: Hereditary non-polyposis colorectal cancer, type 5; Colorectal cancer, hereditary nonpolyposis, type 5. Identifiers: Orphanet 144, MedGen C1833477, MONDO:0013710, OMIM 614350. Disease mechanism: loss of function.
Hereditary cancer-predisposing syndrome. Also called: Hereditary neoplastic syndrome; Hereditary Cancer Syndrome; Neoplastic Syndromes, Hereditary; Tumor predisposition. Identifiers: Orphanet 140162, MedGen C0027672, MeSH D009386, MONDO:0015356.

Submissions (5):

Myriad Genetics, Inc.
Classification: Benign for Lynch syndrome 5. Last evaluated: 2024-12-17. Review status: criteria provided, single submitter. Criteria: Myriad Autosomal Dominant, Autosomal Recessive and X-Linked Classification Criteria (2023). Collection method: clinical testing. Allele origin: unknown.
Comment: This variant is considered benign. This variant is a silent/synonymous amino acid change and it is not expected to impact splicing.

Labcorp Genetics (formerly Invitae), Labcorp
Classification: Likely benign for Hereditary nonpolyposis colorectal neoplasms. Last evaluated: 2023-11-28. Review status: criteria provided, single submitter. Criteria: Invitae Variant Classification Sherloc (09022015). Collection method: clinical testing. Allele origin: germline.

Color Diagnostics, LLC DBA Color Health
Classification: Likely benign for Hereditary cancer-predisposing syndrome. Last evaluated: 2022-05-10. Review status: criteria provided, single submitter. Criteria: ACMG Guidelines, 2015. Collection method: clinical testing. Allele origin: germline.

Ambry Genetics
Classification: Likely benign for Hereditary cancer-predisposing syndrome. Last evaluated: 2020-03-10. Review status: criteria provided, single submitter. Criteria: Ambry Variant Classification Scheme 2023. Collection method: clinical testing. Allele origin: germline.

GeneDx
Classification: Likely benign. Last evaluated: 2017-05-02. Review status: criteria provided, single submitter. Criteria: GeneDx Variant Classification (06012015). Collection method: clinical testing. Allele origin: germline. Affected: yes.
Comment: This variant is considered likely benign or benign based on one or more of the following criteria: it is a conservative change, it occurs at a poorly conserved position in the protein, it is predicted to be benign by multiple in silico algorithms, and/or has population frequency not consistent with disease.

NM_000179.3(MSH6):c.75C>G (p.Ala25=)

Gene: MSH6 (mutS homolog 6; plus strand). Cytogenetic location: 2p16.3.
Variant type: single nucleotide variant.
Coding change: c.75C>G on transcript NM_000179.3 (MANE Select); coding-DNA position 75, C replaced by G.
Protein change: p.Ala25=; no amino-acid change (alanine 25 retained).
Molecular consequence: synonymous variant. On other transcripts: 5 prime UTR variant (1).
Genome position (GRCh38, 1-based): chr2:47,783,308, C>G. VCF-style: chr2-47783308-C-G. GRCh37 (hg19) VCF-style: chr2-48010447-C-G.
Other names: c.75C>G, p.Ala25= (NM_001281492.2); c.-662C>G (NM_001281493.2).
Identifiers: ClinVar variation 509368 (VCV000509368.14), dbSNP rs1045981031, ClinGen allele CA426120527.
Genomic context (GRCh38, chr2:47,783,308, plus strand): 5'-CACCCTGTACAGCTTCTTCCCCAAGTCTCCGGCGCTGAGTGATGCCAACAAGGCCTCGGC[C>G]AGGGCCTCACGCGAAGGCGGCCGTGCCGCCGCTGCCCCCGGGGCCTCTCCTTCCCCAGGC-3'
Protein context (NP_000170.1, residues 15-35): PALSDANKAS[Ala25=]RASREGGRAA